The following is an entry in ClinVar:

NM_000548.5(TSC2):c.2496C>T (p.His832=)

Gene: TSC2 (TSC complex subunit 2; plus strand). Cytogenetic location: 16p13.3.
Variant type: single nucleotide variant.
Coding change: c.2496C>T on transcript NM_000548.5 (MANE Select); coding-DNA position 2496, C replaced by T.
Protein change: p.His832=; no amino-acid change (histidine 832 retained).
Molecular consequence: synonymous variant.
Genome position (GRCh38, 1-based): chr16:2,074,340, C>T. VCF-style: chr16-2074340-C-T. GRCh37 (hg19) VCF-style: chr16-2124341-C-T.
Other names: c.2496C>T, p.His832= (NM_001077183.3, NM_001114382.3, NM_001363528.2 and 3 more transcripts); c.2385C>T, p.His795= (NM_001318827.2); c.2349C>T, p.His783= (NM_001318829.2); c.1896C>T, p.His632= (NM_001318831.2); c.2529C>T, p.His843= (NM_001318832.2).
Identifiers: ClinVar variation 760177 (VCV000760177.14), dbSNP rs1225070343, ClinGen allele CA492953188.

ClinVar aggregate classification (germline): Benign/Likely benign. Review status: criteria provided, multiple submitters, no conflicts (2 of 4 stars). 3 submissions from 3 submitters: Benign (1); Likely benign (2). Last evaluated 2025-05-20.

Conditions:
Hereditary cancer-predisposing syndrome. Also called: Tumor predisposition; Hereditary Cancer Syndrome; Neoplastic Syndromes, Hereditary; Hereditary neoplastic syndrome. Identifiers: Orphanet 140162, MedGen C0027672, MeSH D009386, MONDO:0015356.
Tuberous sclerosis 2 (TSC2). Identifiers: Orphanet 805, MedGen C1860707, MONDO:0013199, OMIM 613254.

Allele frequency attached by ClinVar (database versions not stated): gnomAD exomes below 0.00001; TOPMed below 0.00001; gnomAD 0.00001.
gnomAD v4.1: 2 of 1,612,614 alleles (0.00012%); highest among the groups gnomAD compares: East Asian, 0.0045%; no homozygotes.

Submissions (3):

Myriad Genetics, Inc.
Classification: Benign for Tuberous sclerosis 2. Last evaluated: 2025-05-20. Review status: criteria provided, single submitter. Criteria: Myriad Autosomal Dominant, Autosomal Recessive and X-Linked Classification Criteria (2023). Collection method: clinical testing. Allele origin: unknown.
Comment: This variant is considered benign. This variant is a silent/synonymous amino acid change and it is not expected to impact splicing.

Labcorp Genetics (formerly Invitae), Labcorp
Classification: Likely benign for Tuberous sclerosis 2. Last evaluated: 2023-03-14. Review status: criteria provided, single submitter. Criteria: Invitae Variant Classification Sherloc (09022015). Collection method: clinical testing. Allele origin: germline.

Ambry Genetics
Classification: Likely benign for Hereditary cancer-predisposing syndrome. Last evaluated: 2015-12-18. Review status: criteria provided, single submitter. Criteria: Ambry Variant Classification Scheme 2023. Collection method: clinical testing. Allele origin: germline.